The following is an entry in ClinVar:

NM_030912.3(TRIM8):c.1198_1220del (p.Tyr400fs)

Gene: TRIM8 (tripartite motif containing 8; plus strand). Cytogenetic location: 10q24.32.
Variant type: Deletion.
Coding change: c.1198_1220del on transcript NM_030912.3 (MANE Select); coding-DNA positions 1198 to 1220, 23 bases deleted (TACGGGGCGGCGGGCACAGCCAG).
Protein change: p.Tyr400fs; shifts the reading frame from tyrosine 400.
Molecular consequence: frameshift variant. On other transcripts: non-coding transcript variant (1).
Genome position (GRCh38, 1-based): chr10:102,656,896-102,656,918, TACGGGGCGGCGGGCACAGCCAG deleted; deleting any 23 consecutive bases within chr10:102,656,891-102,656,918 gives the same sequence; the c. name uses the placement nearest the transcript's 3' end. VCF-style (leftmost placement, unchanged base first): chr10-102656890-GGCCAGTACGGGGCGGCGGGCACA-G. GRCh37 (hg19) VCF-style: chr10-104416647-GGCCAGTACGGGGCGGCGGGCACA-G.
Other names: c.1102_1124del, p.Tyr368fs (NM_001345950.1); short protein forms Y368fs, Y400fs.
Identifiers: ClinVar variation 1189046 (VCV001189046.3), dbSNP rs2135984894, ClinGen allele CA2499220133.

ClinVar aggregate classification (germline): Pathogenic. Review status: criteria provided, single submitter (1 of 4 stars). 2 submissions from 2 submitters: Pathogenic (1). 1 of the submissions does not count toward it. Last evaluated 2026-04-28.

Conditions:
Focal segmental glomerulosclerosis and neurodevelopmental syndrome. Identifiers: MedGen C5561938, MONDO:0100111, OMIM 619428.

Submissions (2):

Wales Gene Park, Division Of Cancer and Genetics, Cardiff University
Classification: Pathogenic for Focal segmental glomerulosclerosis and neurodevelopmental syndrome. Last evaluated: 2026-04-28. Review status: criteria provided, single submitter. Criteria: ACGS Best Practice Guidelines for Variant Classification in Rare Disease 2024. Collection method: research. Allele origin: de novo. Inheritance: Autosomal dominant inheritance. Affected: yes. Study: 100,000 Genomes Project (Wales).
Comment: De novo TRIM8 frameshift variant detected by trio genome sequencing. Not present in gnomAD (v4.1.1). Phenotype consistent with gene but not highly specific. Evidence codes: PVS1_strong, PM2, PS2_moderate.

OMIM
Classification: Pathogenic for FOCAL SEGMENTAL GLOMERULOSCLEROSIS AND NEURODEVELOPMENTAL SYNDROME. Last evaluated: 2021-08-04. Review status: no assertion criteria provided. Collection method: literature only. Allele origin: germline. Not counted in ClinVar's aggregate classification.

Literature cited by the submitters: PubMed 32531461 (cited by Wales Gene Park, Division Of Cancer and Genetics, Cardiff University and OMIM).